The following is an entry in ClinVar:

NM_014795.4(ZEB2):c.839G>A (p.Arg280His)

Gene: ZEB2 (zinc finger E-box binding homeobox 2; minus strand). Cytogenetic location: 2q22.3.
Variant type: single nucleotide variant.
Coding change: c.839G>A on transcript NM_014795.4 (MANE Select); coding-DNA position 839, G replaced by A.
Protein change: p.Arg280His; replaces arginine 280 with histidine.
Molecular consequence: missense variant.
Genome position (GRCh38, 1-based): chr2:144,401,276, C>T on the plus strand (G>A on the coding strand, the complement: ZEB2 is on the minus strand). VCF-style: chr2-144401276-C-T. GRCh37 (hg19) VCF-style: chr2-145158843-C-T.
Other names: c.767G>A, p.Arg256His (NM_001171653.2); short protein forms R256H, R280H.
Identifiers: ClinVar variation 1197549 (VCV001197549.5), dbSNP rs2149877979, ClinGen allele CA348713629.

ClinVar aggregate classification (germline): Uncertain significance. Review status: criteria provided, multiple submitters, no conflicts (2 of 4 stars). 2 submissions from 2 submitters: Uncertain significance (2). Last evaluated 2025-09-16.

Conditions:
Mowat-Wilson syndrome (MOWS). Also called: Classic Mowat-Wilson Syndrome. Identifiers: Orphanet 2152, MedGen C1856113, MONDO:0009341, OMIM 235730.

gnomAD v4.1: 2 of 1,614,086 alleles (0.00012%); highest among the groups gnomAD compares: Non-Finnish European, 0.00017%; no homozygotes.

Submissions (2):

GeneDx
Classification: Uncertain significance. Last evaluated: 2025-09-16. Review status: criteria provided, single submitter. Criteria: GeneDx Variant Classification Process June 2021. Collection method: clinical testing. Allele origin: germline. Affected: yes.
Comment: Has not been previously published as pathogenic or benign to our knowledge; Not observed at significant frequency in large population cohorts (gnomAD); In silico analysis supports that this missense variant has a deleterious effect on protein structure/function; This variant is associated with the following publications: (PMID: 16053902)

Labcorp Genetics (formerly Invitae), Labcorp
Classification: Uncertain significance for Mowat-Wilson syndrome. Last evaluated: 2024-09-10. Review status: criteria provided, single submitter. Criteria: Invitae Variant Classification Sherloc (09022015). Collection method: clinical testing. Allele origin: germline.
Comment: This sequence change replaces arginine, which is basic and polar, with histidine, which is basic and polar, at codon 280 of the ZEB2 protein (p.Arg280His). This variant is not present in population databases (gnomAD no frequency). This variant has not been reported in the literature in individuals affected with ZEB2-related conditions. ClinVar contains an entry for this variant (Variation ID: 1197549). Invitae Evidence Modeling of protein sequence and biophysical properties (such as structural, functional, and spatial information, amino acid conservation, physicochemical variation, residue mobility, and thermodynamic stability) indicates that this missense variant is expected to disrupt ZEB2 protein function with a positive predictive value of 80%. In summary, the available evidence is currently insufficient to determine the role of this variant in disease. Therefore, it has been classified as a Variant of Uncertain Significance.